The following is an entry in ClinVar:

NM_000844.4(GRM7):c.1773T>C (p.Ala591=)

Gene: GRM7 (glutamate metabotropic receptor 7; plus strand). Cytogenetic location: 3p26.1.
Variant type: single nucleotide variant.
Coding change: c.1773T>C on transcript NM_000844.4 (MANE Select); coding-DNA position 1773, T replaced by C.
Protein change: p.Ala591=; no amino-acid change (alanine 591 retained).
Molecular consequence: synonymous variant.
Genome position (GRCh38, 1-based): chr3:7,578,679, T>C. VCF-style: chr3-7578679-T-C. GRCh37 (hg19) VCF-style: chr3-7620366-T-C.
Other names: c.1773T>C, p.Ala591= (NM_181874.3).
Identifiers: ClinVar variation 2653465 (VCV002653465.25), dbSNP rs757931811, ClinGen allele CA2234984.

ClinVar aggregate classification (germline): Likely benign. Review status: criteria provided, multiple submitters, no conflicts (2 of 4 stars). 2 submissions from 2 submitters: Likely benign (2). Last evaluated 2025-04-07.

Allele frequency attached by ClinVar (database versions not stated): gnomAD exomes below 0.00001; ExAC 0.00001; gnomAD 0.00001.
gnomAD v4.1: 4 of 1,613,962 alleles (0.00025%); highest among the groups gnomAD compares: Non-Finnish European, 0.00034%; no homozygotes.

Submissions (2):

Labcorp Genetics (formerly Invitae), Labcorp
Classification: Likely benign. Last evaluated: 2025-04-07. Review status: criteria provided, single submitter. Criteria: Invitae Variant Classification Sherloc (09022015). Collection method: clinical testing. Allele origin: germline.

CeGaT Center for Human Genetics Tuebingen
Classification: Likely benign. Last evaluated: 2022-11-01. Review status: criteria provided, single submitter. Criteria: CeGaT Center For Human Genetics Tuebingen Variant Classification Criteria Version 2. Collection method: clinical testing. Allele origin: germline. Affected: yes. Observed: 1 variant allele.
Comment: GRM7: BP4, BP7